The following is an entry in ClinVar:

ClinVar aggregate classification (germline): Uncertain significance (1 of 4 stars; one submission).

Conditions:
Familial hemiplegic migraine. Identifiers: MedGen C0338484, MONDO:0000700.

Submission:

Labcorp Genetics (formerly Invitae), Labcorp
Classification: Uncertain significance for Familial hemiplegic migraine. Last evaluated: 2020-05-24. Review status: criteria provided, single submitter. Criteria: Invitae Variant Classification Sherloc (09022015). Collection method: clinical testing. Allele origin: germline.
Comment: In summary, the available evidence is currently insufficient to determine the role of this variant in disease. Therefore, it has been classified as a Variant of Uncertain Significance. Algorithms developed to predict the effect of missense changes on protein structure and function are either unavailable or do not agree on the potential impact of this missense change (SIFT: "Not Available"; PolyPhen-2: "Probably Damaging"; Align-GVGD: "Not Available"). This variant has not been reported in the literature in individuals with ATP1A2-related conditions. This variant is not present in population databases (ExAC no frequency). This sequence change replaces threonine with asparagine at codon 811 of the ATP1A2 protein (p.Thr811Asn). The threonine residue is highly conserved and there is a small physicochemical difference between threonine and asparagine.

NM_000702.4(ATP1A2):c.2432_2433delinsAC (p.Thr811Asn)

Gene: ATP1A2 (ATPase Na+/K+ transporting subunit alpha 2; plus strand). Cytogenetic location: 1q23.2.
Variant type: Indel.
Coding change: c.2432_2433delinsAC on transcript NM_000702.4 (MANE Select); coding-DNA positions 2432 to 2433, CA replaced by AC.
Protein change: p.Thr811Asn; replaces threonine 811 with asparagine.
Molecular consequence: missense variant.
Genome position (GRCh38, 1-based): chr1:160,135,986-160,135,987, CA replaced by AC. VCF-style: chr1-160135986-CA-AC. GRCh37 (hg19) VCF-style: chr1-160105776-CA-AC.
Other names: short protein forms T811N.
Identifiers: ClinVar variation 1046907 (VCV001046907.7), dbSNP rs1651923573, ClinGen allele CA1202195326.